The following is an entry in ClinVar:

ClinVar aggregate classification (germline): Likely benign. Review status: criteria provided, multiple submitters, no conflicts (2 of 4 stars). 4 submissions from 4 submitters: Likely benign (3). 1 of the submissions does not count toward it. Last evaluated 2026-01-25.

Conditions:
Cardiovascular phenotype. Identifiers: MedGen CN230736.
Long QT syndrome (LQTS). Identifiers: MedGen C0023976, MeSH D008133, MONDO:0002442. Disease mechanism: loss of function. Inheritance: Various modes of inheritance.
AKAP9-related disorder. Also called: AKAP9-related condition.

Allele frequency attached by ClinVar (database versions not stated): ExAC 0.00003; gnomAD exomes 0.00005; gnomAD 0.00006; TOPMed 0.00007; ESP Exome Variant Server 0.00015.
gnomAD v4.1: 170 of 1,612,632 alleles (0.011%); highest among the groups gnomAD compares: Non-Finnish European, 0.013%; 1 homozygote.

Submissions (4):

Labcorp Genetics (formerly Invitae), Labcorp
Classification: Likely benign for Long QT syndrome. Last evaluated: 2026-01-25. Review status: criteria provided, single submitter. Criteria: Invitae Variant Classification Sherloc (09022015). Collection method: clinical testing. Allele origin: germline.

Blueprint Genetics
Classification: Likely benign. Last evaluated: 2023-07-07. Review status: criteria provided, single submitter. Criteria: ACMG Guidelines, 2015. Collection method: clinical testing. Allele origin: germline.

Ambry Genetics
Classification: Likely benign for Cardiovascular phenotype. Last evaluated: 2017-01-11. Review status: criteria provided, single submitter. Criteria: Ambry Variant Classification Scheme 2023. Collection method: clinical testing. Allele origin: germline.

PreventionGenetics, part of Exact Sciences
Classification: Likely benign for AKAP9-related condition. Last evaluated: 2019-05-08. Review status: no assertion criteria provided. Collection method: clinical testing. Allele origin: germline. Not counted in ClinVar's aggregate classification.
Comment: This variant is classified as likely benign based on ACMG/AMP sequence variant interpretation guidelines (Richards et al. 2015 PMID: 25741868, with internal and published modifications).

NM_005751.5(AKAP9):c.4293G>A (p.Leu1431=)

Gene: AKAP9 (A-kinase anchoring protein 9; plus strand). Cytogenetic location: 7q21.2.
Variant type: single nucleotide variant.
Coding change: c.4293G>A on transcript NM_005751.5 (MANE Select); coding-DNA position 4293, G replaced by A.
Protein change: p.Leu1431=; no amino-acid change (leucine 1431 retained).
Molecular consequence: synonymous variant.
Genome position (GRCh38, 1-based): chr7:92,031,559, G>A. VCF-style: chr7-92031559-G-A. GRCh37 (hg19) VCF-style: chr7-91660873-G-A.
Other names: c.4293G>A, p.Leu1431= (NM_147185.3).
Identifiers: ClinVar variation 360827 (VCV000360827.23), dbSNP rs151197146, ClinGen allele CA4336538.